The following is an entry in ClinVar:

ClinVar aggregate classification (germline): Likely pathogenic (1 of 4 stars; one submission).

Conditions:
Cystic fibrosis (CF). Also called: MUCOVISCIDOSIS. Identifiers: Orphanet 586, MedGen C0010674, MONDO:0009061, OMIM 219700. Disease mechanism: loss of function.

Submission:

Institute of Human Genetics, University of Leipzig Medical Center
Classification: Likely pathogenic for Cystic fibrosis. Last evaluated: 2022-09-05. Review status: criteria provided, single submitter. Criteria: ACMG Guidelines, 2015. Collection method: curation. Allele origin: unknown. Affected: yes. Observed: 2 variant alleles.
Comment: This variant was identified in 2 unrelated patients with a clinically confirmed diagnosis of cystic fibrosis. The variant was classified in the context of a project re-classifying variants in the German Cystic Fibrosis Registry (Muko.e.V.). Criteria applied: PM2_SUP, PM5_STR, PP3, PP4

NM_000492.4(CFTR):c.1517T>A (p.Ile506Asn)

Genes: CFTR-AS1 (CFTR antisense RNA 1; minus strand), CFTR (CF transmembrane conductance regulator; plus strand). Cytogenetic location: 7q31.2.
Variant type: single nucleotide variant.
Coding change: c.1517T>A on transcript NM_000492.4 (MANE Select); coding-DNA position 1517, T replaced by A.
Protein change: p.Ile506Asn; replaces isoleucine 506 with asparagine.
Molecular consequence: missense variant.
Genome position (GRCh38, 1-based): chr7:117,559,588, T>A. VCF-style: chr7-117559588-T-A. GRCh37 (hg19) VCF-style: chr7-117199642-T-A.
Other names: short protein forms I506N.
Identifiers: ClinVar variation 1705989 (VCV001705989.1), dbSNP rs397508224, ClinGen allele CA368984704.